The following is an entry in ClinVar:

ClinVar aggregate classification (germline): Uncertain significance. Review status: criteria provided, multiple submitters, no conflicts (2 of 4 stars). 3 submissions from 3 submitters: Uncertain significance (3). Last evaluated 2024-11-21.

Conditions:
Inborn genetic diseases. Identifiers: MedGen C0950123, MeSH D030342.

Allele frequency attached by ClinVar (database versions not stated): gnomAD 0.00001; gnomAD exomes 0.00002 and 0.00003; ExAC 0.00004.
gnomAD v4.1: 29 of 1,591,678 alleles (0.0018%); highest among the groups gnomAD compares: Middle Eastern, 0.033%; no homozygotes.

Submissions (3):

Ambry Genetics
Classification: Uncertain significance for Inborn genetic diseases. Last evaluated: 2024-11-21. Review status: criteria provided, single submitter. Criteria: Ambry Variant Classification Scheme 2023. Collection method: clinical testing. Allele origin: germline.

Blueprint Genetics
Classification: Uncertain significance. Last evaluated: 2024-01-29. Review status: criteria provided, single submitter. Criteria: ACMG Guidelines, 2015. Collection method: clinical testing. Allele origin: germline.

Labcorp Genetics (formerly Invitae), Labcorp
Classification: Uncertain significance. Last evaluated: 2022-08-22. Review status: criteria provided, single submitter. Criteria: Invitae Variant Classification Sherloc (09022015). Collection method: clinical testing. Allele origin: germline.
Comment: This sequence change replaces glutamine, which is neutral and polar, with arginine, which is basic and polar, at codon 956 of the PTPN23 protein (p.Gln956Arg). This variant is present in population databases (rs768866808, gnomAD 0.005%). This variant has not been reported in the literature in individuals affected with PTPN23-related conditions. ClinVar contains an entry for this variant (Variation ID: 1423202). Algorithms developed to predict the effect of missense changes on protein structure and function are either unavailable or do not agree on the potential impact of this missense change (SIFT: "Tolerated"; PolyPhen-2: "Not Available"; Align-GVGD: "Class C0"). In summary, the available evidence is currently insufficient to determine the role of this variant in disease. Therefore, it has been classified as a Variant of Uncertain Significance.

NM_015466.4(PTPN23):c.2867A>G (p.Gln956Arg)

Gene: PTPN23 (protein tyrosine phosphatase non-receptor type 23; plus strand). Cytogenetic location: 3p21.31.
Variant type: single nucleotide variant.
Coding change: c.2867A>G on transcript NM_015466.4 (MANE Select); coding-DNA position 2867, A replaced by G.
Protein change: p.Gln956Arg; replaces glutamine 956 with arginine.
Molecular consequence: missense variant.
Genome position (GRCh38, 1-based): chr3:47,410,665, A>G. VCF-style: chr3-47410665-A-G. GRCh37 (hg19) VCF-style: chr3-47452155-A-G.
Other names: c.2867A>G (NM_015466.2); c.2489A>G, p.Gln830Arg (NM_001304482.2); short protein forms Q830R, Q956R.
Identifiers: ClinVar variation 1423202 (VCV001423202.5), dbSNP rs768866808, ClinGen allele CA2366142.